The following is an entry in ClinVar:

NM_004629.2(FANCG):c.500A>C (p.Asn167Thr)

Gene: FANCG (FA complementation group G; minus strand). Cytogenetic location: 9p13.3.
Variant type: single nucleotide variant.
Coding change: c.500A>C on transcript NM_004629.2 (MANE Select); coding-DNA position 500, A replaced by C.
Protein change: p.Asn167Thr; replaces asparagine 167 with threonine.
Molecular consequence: missense variant.
Genome position (GRCh38, 1-based): chr9:35,078,151, T>G on the plus strand (A>C on the coding strand, the complement: FANCG is on the minus strand). VCF-style: chr9-35078151-T-G. GRCh37 (hg19) VCF-style: chr9-35078148-T-G.
Other names: short protein forms N167T.
Identifiers: ClinVar variation 4870978 (VCV004870978.1).

ClinVar aggregate classification (germline): Uncertain significance (1 of 4 stars; one submission).

Conditions:
Inborn genetic diseases. Identifiers: MedGen C0950123, MeSH D030342.

Submission:

Ambry Genetics
Classification: Uncertain significance for Inborn genetic diseases. Last evaluated: 2026-03-25. Review status: criteria provided, single submitter. Criteria: Ambry Variant Classification Scheme 2023. Collection method: clinical testing. Allele origin: germline.
Comment: The p.N167T variant (also known as c.500A>C), located in coding exon 4 of the FANCG gene, results from an A to C substitution at nucleotide position 500. The asparagine at codon 167 is replaced by threonine, an amino acid with similar properties. This amino acid position is conserved. In addition, this alteration is predicted to be tolerated by in silico analysis. Based on the available evidence, the clinical significance of this variant remains unclear.